The following is an entry in ClinVar:

ClinVar aggregate classification (germline): not provided (0 of 4 stars; one submission).

Allele frequency attached by ClinVar (database versions not stated): gnomAD exomes below 0.00001; TOPMed below 0.00001; gnomAD 0.00001.

Submission:

Human Evolutionary Genetics, Institut Pasteur
No classification provided. Review status: no classification provided. Collection method: not provided. Allele origin: germline.
ClinVar note: Converted during submission from untested to not provided.

NM_001276700.2(NLRP6):c.2659C>G (p.Leu887Val)

Gene: NLRP6 (NLR family pyrin domain containing 6; plus strand). Cytogenetic location: 11p15.5.
Variant type: single nucleotide variant.
Coding change: c.2659C>G on transcript NM_001276700.2 (MANE Select); coding-DNA position 2659, C replaced by G.
Protein change: p.Leu887Val; replaces leucine 887 with valine.
Molecular consequence: missense variant.
Genome position (GRCh38, 1-based): chr11:285,287, C>G. VCF-style: chr11-285287-C-G. GRCh37 (hg19) VCF-style: chr11-285287-C-G.
Other names: c.2662C>G, p.Leu888Val (NM_138329.2); short protein forms L888V, L887V.
Identifiers: ClinVar variation 103244 (VCV000103244.2), dbSNP rs199475818, ClinGen allele CA230309.
Genomic context (GRCh38, chr11:285,287, plus strand): 5'-AAGCCGGATCTGGTCATCACACACCCAGCGCTGGACGGCCACCCACAACCTCCCAAGGAA[C>G]TCATCTCGACCTTCTGAGGCTCTGGTGGCCAGAGCAGGGTGGAAGACCCTAGTCAAAGTC-3'
Protein context (NP_001263629.1, residues 877-891): LDGHPQPPKE[Leu887Val]ISTF